The following is an entry in ClinVar:

NM_003801.4(GPAA1):c.35C>T (p.Ala12Val)

Genes: GPAA1 (glycosylphosphatidylinositol anchor attachment 1; plus strand), LOC130001364 (ATAC-STARR-seq lymphoblastoid silent region 19654; plus strand). Cytogenetic location: 8q24.3.
Variant type: single nucleotide variant.
Coding change: c.35C>T on transcript NM_003801.4 (MANE Select); coding-DNA position 35, C replaced by T.
Protein change: p.Ala12Val; replaces alanine 12 with valine.
Molecular consequence: missense variant.
Genome position (GRCh38, 1-based): chr8:144,082,765, C>T. VCF-style: chr8-144082765-C-T. GRCh37 (hg19) VCF-style: chr8-145137668-C-T.
Other names: short protein forms A12V.
Identifiers: ClinVar variation 2044303 (VCV002044303.4), dbSNP rs1835929538, ClinGen allele CA372597261.

ClinVar aggregate classification (germline): Uncertain significance (1 of 4 stars; one submission).

Allele frequency attached by ClinVar (database versions not stated): TOPMed below 0.00001.

Submission:

Labcorp Genetics (formerly Invitae), Labcorp
Classification: Uncertain significance. Last evaluated: 2022-08-16. Review status: criteria provided, single submitter. Criteria: Invitae Variant Classification Sherloc (09022015). Collection method: clinical testing. Allele origin: germline.
Comment: This variant is not present in population databases (gnomAD no frequency). This sequence change replaces alanine, which is neutral and non-polar, with valine, which is neutral and non-polar, at codon 12 of the GPAA1 protein (p.Ala12Val). This variant has not been reported in the literature in individuals affected with GPAA1-related conditions. Algorithms developed to predict the effect of missense changes on protein structure and function (SIFT, PolyPhen-2, Align-GVGD) all suggest that this variant is likely to be tolerated. In summary, the available evidence is currently insufficient to determine the role of this variant in disease. Therefore, it has been classified as a Variant of Uncertain Significance.